The following is an entry in ClinVar:

NM_015378.4(VPS13D):c.6241A>G (p.Thr2081Ala)

Gene: VPS13D (vacuolar protein sorting 13 homolog D; plus strand). Cytogenetic location: 1p36.22.
Variant type: single nucleotide variant.
Coding change: c.6241A>G on transcript NM_015378.4 (MANE Select); coding-DNA position 6241, A replaced by G.
Protein change: p.Thr2081Ala; replaces threonine 2081 with alanine.
Molecular consequence: missense variant.
Genome position (GRCh38, 1-based): chr1:12,304,530, A>G. VCF-style: chr1-12304530-A-G. GRCh37 (hg19) VCF-style: chr1-12364587-A-G.
Other names: c.6241A>G, p.Thr2081Ala (NM_018156.4); c.6241A>G (NM_015378.2); short protein forms T2081A.
Identifiers: ClinVar variation 2173707 (VCV002173707.4), dbSNP rs752450571, ClinGen allele CA602548.

ClinVar aggregate classification (germline): Uncertain significance. Review status: criteria provided, multiple submitters, no conflicts (2 of 4 stars). 2 submissions from 2 submitters: Uncertain significance (2). Last evaluated 2024-12-09.

Conditions:
Inborn genetic diseases. Identifiers: MedGen C0950123, MeSH D030342.

Allele frequency attached by ClinVar (database versions not stated): ExAC 0.00006; gnomAD exomes 0.00013; gnomAD 0.00029; TOPMed 0.00029.
gnomAD v4.1: 231 of 1,613,870 alleles (0.014%); highest among the groups gnomAD compares: Admixed American, 0.08%; no homozygotes.

Submissions (2):

Labcorp Genetics (formerly Invitae), Labcorp
Classification: Uncertain significance. Last evaluated: 2024-12-09. Review status: criteria provided, single submitter. Criteria: Invitae Variant Classification Sherloc (09022015). Collection method: clinical testing. Allele origin: germline.
Comment: This sequence change replaces threonine, which is neutral and polar, with alanine, which is neutral and non-polar, at codon 2081 of the VPS13D protein (p.Thr2081Ala). This variant is present in population databases (rs752450571, gnomAD 0.05%). This variant has not been reported in the literature in individuals affected with VPS13D-related conditions. ClinVar contains an entry for this variant (Variation ID: 2173707). Invitae Evidence Modeling of protein sequence and biophysical properties (such as structural, functional, and spatial information, amino acid conservation, physicochemical variation, residue mobility, and thermodynamic stability) indicates that this missense variant is not expected to disrupt VPS13D protein function with a negative predictive value of 80%. In summary, the available evidence is currently insufficient to determine the role of this variant in disease. Therefore, it has been classified as a Variant of Uncertain Significance.

Ambry Genetics
Classification: Uncertain significance for Inborn genetic diseases. Last evaluated: 2024-04-17. Review status: criteria provided, single submitter. Criteria: Ambry Variant Classification Scheme 2023. Collection method: clinical testing. Allele origin: germline.